The following is an entry in ClinVar:

NM_001035.3(RYR2):c.2064T>C (p.Ala688=)

Gene: RYR2 (ryanodine receptor 2; plus strand). Cytogenetic location: 1q43.
Variant type: single nucleotide variant.
Coding change: c.2064T>C on transcript NM_001035.3 (MANE Select); coding-DNA position 2064, T replaced by C.
Protein change: p.Ala688=; no amino-acid change (alanine 688 retained).
Molecular consequence: synonymous variant.
Genome position (GRCh38, 1-based): chr1:237,496,613, T>C. VCF-style: chr1-237496613-T-C. GRCh37 (hg19) VCF-style: chr1-237659913-T-C.
Other names: c.2064T>C (NM_001035.2).
Identifiers: ClinVar variation 3071599 (VCV003071599.2), dbSNP rs2545835871, ClinGen allele CA424030704.

ClinVar aggregate classification (germline): Likely benign. Review status: criteria provided, multiple submitters, no conflicts (2 of 4 stars). 2 submissions from 2 submitters: Likely benign (2). Last evaluated 2025-08-24.

Conditions:
Cardiovascular phenotype. Identifiers: MedGen CN230736.
Catecholaminergic polymorphic ventricular tachycardia (CVPT). Also called: Catecholamine-induced polymorphic ventricular tachycardia. Identifiers: Orphanet 3286, MedGen C5574922, MONDO:0017990.

gnomAD v4.1: 2 of 1,613,982 alleles (0.00012%); highest among the groups gnomAD compares: Non-Finnish European, 0.00017%; no homozygotes.

Submissions (2):

Ambry Genetics
Classification: Likely benign for Cardiovascular phenotype. Last evaluated: 2025-08-24. Review status: criteria provided, single submitter. Criteria: Ambry Variant Classification Scheme 2023. Collection method: clinical testing. Allele origin: germline.

All of Us Research Program, National Institutes of Health
Classification: Likely benign for Catecholaminergic polymorphic ventricular tachycardia. Last evaluated: 2023-06-08. Review status: criteria provided, single submitter. Criteria: ACMG Guidelines, 2015. Collection method: clinical testing. Allele origin: germline. Inheritance: Autosomal dominant inheritance. Observed: 1 variant allele, 1 heterozygote.
Comment: This study involves interpretation of variants in research participants for the purpose of population health screening. Participant phenotype was not available at the time of variant classification. Additional details can be found in publication PMID: 35346344, PMCID: PMC8962531